The following is an entry in ClinVar:

ClinVar aggregate classification (germline): Uncertain significance (1 of 4 stars; one submission).

Conditions:
Long QT syndrome (LQTS). Identifiers: MedGen C0023976, MeSH D008133, MONDO:0002442. Disease mechanism: loss of function. Inheritance: Various modes of inheritance.

gnomAD v4.1: 1 of 1,613,950 alleles (0.000062%); highest among the groups gnomAD compares: Non-Finnish European, 0.000085%; no homozygotes.

Submission:

Labcorp Genetics (formerly Invitae), Labcorp
Classification: Uncertain significance for Long QT syndrome. Last evaluated: 2025-01-08. Review status: criteria provided, single submitter. Criteria: Invitae Variant Classification Sherloc (09022015). Collection method: clinical testing. Allele origin: germline.
Comment: This sequence change replaces lysine, which is basic and polar, with glutamic acid, which is acidic and polar, at codon 3060 of the ANK2 protein (p.Lys3060Glu). This variant is not present in population databases (gnomAD no frequency). This variant has not been reported in the literature in individuals affected with ANK2-related conditions. An algorithm developed to predict the effect of missense changes on protein structure and function (PolyPhen-2) suggests that this variant is likely to be disruptive. In summary, the available evidence is currently insufficient to determine the role of this variant in disease. Therefore, it has been classified as a Variant of Uncertain Significance.

NM_001148.6(ANK2):c.9178A>G (p.Lys3060Glu)

Gene: ANK2 (ankyrin 2; plus strand). Cytogenetic location: 4q26.
Variant type: single nucleotide variant.
Coding change: c.9178A>G on transcript NM_001148.6 (MANE Select); coding-DNA position 9178, A replaced by G.
Protein change: p.Lys3060Glu; replaces lysine 3060 with glutamic acid.
Molecular consequence: missense variant. On other transcripts: intron variant (68).
Genome position (GRCh38, 1-based): chr4:113,357,796, A>G. VCF-style: chr4-113357796-A-G. GRCh37 (hg19) VCF-style: chr4-114278952-A-G.
Other names: c.8944A>G, p.Lys2982Glu (NM_001386142.1); c.5578A>G, p.Lys1860Glu (NM_001386166.1); c.9319A>G, p.Lys3107Glu (NM_001386174.1); c.9295A>G, p.Lys3099Glu (NM_001386175.1); c.4412-3027A>G (NM_001386186.2, NM_001386148.2); c.4214-3027A>G (NM_001354269.3); c.4292-3027A>G (NM_001386187.2); c.4253-3027A>G (NM_001386147.1); and 35 more; short protein forms K3107E, K2982E, K1860E, K3060E, K3099E.
Identifiers: ClinVar variation 3712023 (VCV003712023.2).